The following is an entry in ClinVar:

ClinVar aggregate classification (germline): Uncertain significance. Review status: criteria provided, multiple submitters, no conflicts (2 of 4 stars). 2 submissions from 2 submitters: Uncertain significance (2). Last evaluated 2025-01-26.

Conditions:
Inborn genetic diseases. Identifiers: MedGen C0950123, MeSH D030342.

Allele frequency attached by ClinVar (database versions not stated): gnomAD exomes 0.00004; ExAC 0.00004.
gnomAD v4.1: 51 of 1,613,316 alleles (0.0032%); highest among the groups gnomAD compares: Non-Finnish European, 0.0042%; no homozygotes.

Submissions (2):

Ambry Genetics
Classification: Uncertain significance for Inborn genetic diseases. Last evaluated: 2025-01-26. Review status: criteria provided, single submitter. Criteria: Ambry Variant Classification Scheme 2023. Collection method: clinical testing. Allele origin: germline.

Labcorp Genetics (formerly Invitae), Labcorp
Classification: Uncertain significance. Last evaluated: 2022-09-27. Review status: criteria provided, single submitter. Criteria: Invitae Variant Classification Sherloc (09022015). Collection method: clinical testing. Allele origin: germline.
Comment: This sequence change replaces proline, which is neutral and non-polar, with leucine, which is neutral and non-polar, at codon 90 of the C9 protein (p.Pro90Leu). This variant is present in population databases (rs745883875, gnomAD 0.009%). This variant has not been reported in the literature in individuals affected with C9-related conditions. ClinVar contains an entry for this variant (Variation ID: 1433238). Advanced modeling of protein sequence and biophysical properties (such as structural, functional, and spatial information, amino acid conservation, physicochemical variation, residue mobility, and thermodynamic stability) performed at Invitae indicates that this missense variant is expected to disrupt C9 protein function. In summary, the available evidence is currently insufficient to determine the role of this variant in disease. Therefore, it has been classified as a Variant of Uncertain Significance.

NM_001737.5(C9):c.269C>T (p.Pro90Leu)

Gene: C9 (complement C9; minus strand). Cytogenetic location: 5p13.1.
Variant type: single nucleotide variant.
Coding change: c.269C>T on transcript NM_001737.5 (MANE Select); coding-DNA position 269, C replaced by T.
Protein change: p.Pro90Leu; replaces proline 90 with leucine.
Molecular consequence: missense variant.
Genome position (GRCh38, 1-based): chr5:39,341,615, G>A on the plus strand (C>T on the coding strand, the complement: C9 is on the minus strand). VCF-style: chr5-39341615-G-A. GRCh37 (hg19) VCF-style: chr5-39341717-G-A.
Other names: c.269C>T (NM_001737.3); short protein forms P90L.
Identifiers: ClinVar variation 1433238 (VCV001433238.4), dbSNP rs745883875, ClinGen allele CA3247074.
Genomic context (GRCh38, chr5:39,341,615, plus strand): 5'-CCTGTACTGCATTGAAAGTCATTTCCGCAGTCATCCTCAGCATCCTCACAGGGCTCTGTG[G>A]GCACACACTGTCGTCTGTCTCCCACAGCGTCGGTGCATCTTTTCCCATTAAATTGTCCAA-3'
Protein context (NP_001728.1, residues 80-100): DAVGDRRQCV[Pro90Leu]TEPCEDAEDD